The following is an entry in ClinVar:

ClinVar aggregate classification (germline): Uncertain significance (1 of 4 stars; one submission).

gnomAD v4.1: 17 of 1,613,950 alleles (0.0011%); highest among the groups gnomAD compares: East Asian, 0.025%; no homozygotes.

Submission:

Labcorp Genetics (formerly Invitae), Labcorp
Classification: Uncertain significance. Last evaluated: 2025-03-04. Review status: criteria provided, single submitter. Criteria: Invitae Variant Classification Sherloc (09022015). Collection method: clinical testing. Allele origin: germline.
Comment: This sequence change replaces arginine, which is basic and polar, with tryptophan, which is neutral and slightly polar, at codon 1299 of the MYH7B protein (p.Arg1299Trp). This variant is present in population databases (rs181877258, gnomAD 0.04%). This variant has not been reported in the literature in individuals affected with MYH7B-related conditions. Invitae Evidence Modeling of protein sequence and biophysical properties (such as structural, functional, and spatial information, amino acid conservation, physicochemical variation, residue mobility, and thermodynamic stability) indicates that this missense variant is expected to disrupt MYH7B protein function with a positive predictive value of 80%. In summary, the available evidence is currently insufficient to determine the role of this variant in disease. Therefore, it has been classified as a Variant of Uncertain Significance.

NM_020884.7(MYH7B):c.3769C>T (p.Arg1257Trp)

Gene: MYH7B (myosin heavy chain 7B; plus strand). Cytogenetic location: 20q11.22.
Variant type: single nucleotide variant.
Coding change: c.3769C>T on transcript NM_020884.7 (MANE Select); coding-DNA position 3769, C replaced by T.
Protein change: p.Arg1257Trp; replaces arginine 1257 with tryptophan.
Molecular consequence: missense variant.
Genome position (GRCh38, 1-based): chr20:34,998,316, C>T. VCF-style: chr20-34998316-C-T. GRCh37 (hg19) VCF-style: chr20-33586119-C-T.
Other names: short protein forms R1257W.
Identifiers: ClinVar variation 4708999 (VCV004708999.1).
Genomic context (GRCh38, chr20:34,998,316, plus strand): 5'-TCTAACTCCTGACCCCTGACTCCCAACCTGGGATCCTAGGCCAGTGCAGAGAAGCTGTGC[C>T]GGACCTATGAGGATCAGCTAAGCGAGGCCAAGATCAAGGTGGAGGAGCTGCAGCGGCAGC-3'
Protein context (NP_065935.4, residues 1247-1267): RAKASAEKLC[Arg1257Trp]TYEDQLSEAK